The following is an entry in ClinVar:

ClinVar aggregate classification (germline): Pathogenic. Review status: reviewed by expert panel (3 of 4 stars). 10 submissions from 10 submitters: Pathogenic (1). 9 of the submissions do not count toward it. Last evaluated 2025-12-16.

Conditions:
Glycogen storage disease, type II (IOPD). Also called: Glucosidase acid-1,4-alpha deficiency; Glycogen storage disease type 2; Acid maltase deficiency disease; Aglucosidase alfa; Deficiency of alpha-glucosidase; Deficiency of lysosomal alpha-glucosidase. Identifiers: Orphanet 365, MedGen C0017921, MONDO:0009290, OMIM 232300.

Submissions (10):

ClinGen Lysosomal Storage Disorder Variant Curation Expert Panel
Classification: Pathogenic for Glycogen storage disease, type II. Last evaluated: 2025-12-16. Review status: reviewed by expert panel. Criteria: clingen_lsd_acmg_specifications_v2-1. Collection method: curation. Allele origin: germline. Inheritance: Autosomal recessive inheritance.
Comment: The NM_000152.5:c.1124G>T (p. Arg375Leu) variant in GAA is a missense variant predicted to cause substitution of arginine by leucine at amino acid 375. Multiple patients with late onset Pompe disease from Italy, compound heterozygous for the c.-32-13T>G) have been reported with documented GAA activity in the affected range, and on ERT (PMID: 22081099, 24158270. All of these individuals are compound heterozygous for the variant and another variant in GAA that has been classified as pathogenic for Pompe disease, c.-32-13T>G, including a proband and 3 siblings (max 2 x 0.5 points), phase unconfirmed (PMID: 22081099, 24158270, 29880332, 33807278). Patients with infantile onset Pompe disease have been reported who are compound heterozygous for the variant and c.784G>A (p.Glu262Lys), pathogenic based on classification by the ClinGen LD VCEP and confirmed in trans (1 point) (PMID: 18429042), or c.2261dupC (p.V755SfsTer41), pathogenic based on classification by the LD VCEP, phase unknown, 0.5 points (PMID: 34565280, 34606154). In addition, at least one patient is homozygous for the variant (0.5 point) (PMID: 18429042, 2818289). The highest population minor allele frequency in gnomAD v4.1.0. is 0.00000254 (3/1179898 alleles) in the European (non-Finnish) population, which is lower than the ClinGen LD VCEP’s threshold for PM2_Supporting (<0.001), meeting this criterion (PM2_Supporting). When expressed in HEK293 cells, the variant results in about 1% WT GAA activity and reduced GAA protein on Western blot (PMID: 28182897), Similarly, expression of the variant in an Ad5-SV40 immortalized human GAA deficient fibroblast cell line demonstrated 0.3% of WT GAA activity and virtually no detectable GAA protein on western blot (PMID: 18429042) (PS3_moderate). The computational predictor REVEL gives a score of 0.976 which is above the threshold of 0.7, evidence that correlates with impact to GAA function (PP3). Another missense variant c.1124G>A (p. Arg375His) in the same codon has been reported in two patients from Asia with Pompe disease (PMID: 21757382, 21484825). However this variant has not yet met the criteria to be classified as pathogenic or likely pathogenic by the ClinGen LD VCEP. In addition, the LD VCEP has classified another variant in the same codon, c.1123C>T (p.Arg375Cys), as a variant of uncertain significance (PM5 not met). There is ClinVar entry for the variant (Variation ID: 283230). In summary, this variant meets the criteria to be classified as pathogenic for Pompe disease, based on the GAA-specific ACMG/AMP criteria applied, as specified by the ClinGen Lysosomal Storage Disorders Variant Curation Expert Panel (Specifications Version 2.0): PM3_strong, PS3_Moderate, PP4_Moderate; PS3_supporting, PP3 PM2_Supporting. (Classification approved by the ClinGen Lysosomal Storage Disorders Variant Curation Expert Panel, December 16, 2025)

Genomenon, Inc
Classification: Pathogenic for Glycogen storage disease, type II. Last evaluated: 2026-07-01. Review status: criteria provided, single submitter. Criteria: Genomenon Sequence Variant Interpretation Standards - Updated. Collection method: curation. Allele origin: germline. Affected: yes. Not counted in ClinVar's aggregate classification.
Comment: GAA p.Arg375Leu (c.1124G>T) is a missense variant that changes the amino acid at codon 375 from Arginine to Leucine. This variant has been observed in at least one proband with a GAA-related disorder in the compound heterozygous and/or homozygous state (PMID:39213226;37701327;34734785;33807278;31606152;30778879;29422078;25396301). At least one functional study has demonstrated a substantial alteration in protein function relative to the wild-type (PMID:28182897;18429042). It is absent or not present at a significant frequency in gnomAD. In silico models predict that this variant is possibly or probably damaging. In conclusion, we classify GAA p.Arg375Leu (c.1124G>T) as a pathogenic variant.

Labcorp Genetics (formerly Invitae), Labcorp
Classification: Pathogenic for Glycogen storage disease, type II. Last evaluated: 2025-11-17. Review status: criteria provided, single submitter. Criteria: Invitae Variant Classification Sherloc (09022015). Collection method: clinical testing. Allele origin: germline. Not counted in ClinVar's aggregate classification.
Comment: This sequence change replaces arginine, which is basic and polar, with leucine, which is neutral and non-polar, at codon 375 of the GAA protein (p.Arg375Leu). The frequency data for this variant in the population databases is considered unreliable, as metrics indicate poor data quality at this position in the gnomAD database. This missense change has been observed in individual(s) with Pompe disease (PMID: 18429042, 22990675, 24158270, 29422078). ClinVar contains an entry for this variant (Variation ID: 283230). Invitae Evidence Modeling of protein sequence and biophysical properties (such as structural, functional, and spatial information, amino acid conservation, physicochemical variation, residue mobility, and thermodynamic stability) indicates that this missense variant is expected to disrupt GAA protein function with a positive predictive value of 95%. Experimental studies have shown that this missense change affects GAA function (PMID: 18429042). This variant disrupts the p.Arg375 amino acid residue in GAA. Other variant(s) that disrupt this residue have been observed in individuals with GAA-related conditions (PMID: 21757382), which suggests that this may be a clinically significant amino acid residue. For these reasons, this variant has been classified as Pathogenic.

Women's Health and Genetics/Laboratory Corporation of America, LabCorp
Classification: Pathogenic for Glycogen storage disease, type II. Last evaluated: 2022-09-19. Review status: criteria provided, single submitter. Criteria: LabCorp Variant Classification Summary - May 2015. Collection method: clinical testing. Allele origin: germline. Not counted in ClinVar's aggregate classification.
Comment: Variant summary: GAA c.1124G>T (p.Arg375Leu) results in a non-conservative amino acid change in the encoded protein sequence. Five of five in-silico tools predict a damaging effect of the variant on protein function. The variant allele was found at a frequency of 8e-06 in 248456 control chromosomes. c.1124G>T has been reported in the literature in individuals affected with Glycogen Storage Disease, Type 2 (Pompe Disease). These data indicate that the variant is likely to be associated with disease. At least one publication reports experimental evidence evaluating an impact on protein function. The most pronounced variant effect results in <10% of normal activity (Parenti_2007). Six clinical diagnostic laboratories have submitted clinical-significance assessments for this variant to ClinVar after 2014 without evidence for independent evaluation. All laboratories classified the variant as pathogenic/likely pathogenic. Based on the evidence outlined above, the variant was classified as pathogenic.

Revvity Omics, Revvity
Classification: Pathogenic. Last evaluated: 2022-05-11. Review status: criteria provided, single submitter. Criteria: ACMG Guidelines, 2015. Collection method: clinical testing. Allele origin: germline. Not counted in ClinVar's aggregate classification.

Fulgent Genetics
Classification: Likely pathogenic for Glycogen storage disease, type II. Last evaluated: 2021-08-11. Review status: criteria provided, single submitter. Criteria: ACMG Guidelines, 2015. Collection method: clinical testing. Allele origin: unknown. Not counted in ClinVar's aggregate classification.

Broad Center for Mendelian Genomics, Broad Institute of MIT and Harvard
Classification: Likely pathogenic for Glycogen storage disease, type II. Last evaluated: 2020-01-22. Review status: criteria provided, single submitter. Criteria: ACMG Guidelines, 2015. Collection method: curation. Allele origin: germline. Inheritance: Autosomal recessive inheritance. Not counted in ClinVar's aggregate classification.
Comment: The p.Arg375Leu variant in GAA has been reported in 8 individuals with Glycogen Storage Disease II (PMID: 22081099, 24158270, 25103075, 25396301, 18429042) and has also been reported pathogenic by EGL and likely pathogenic by Counsyl in ClinVar (Variation ID: 283230). This variant has been identified in 0.002% (2/111942) of European (non-Finnish) chromosomes by the Genome Aggregation Database (gnomAD; dbSNP rs142752477). Although this variant has been seen in the general population, its frequency is low enough to be consistent with a recessive carrier frequency. In vitro functional studies with a GAA-deficient human fibroblast cell line provide some evidence that the p.Arg375Leu variant may impact GAA production and activity (PMID: 18429042). However, these types of assays may not accurately represent biological function. Computational prediction tools and conservation analyses suggest that this variant may impact the protein, though this information is not predictive enough to determine pathogenicity. The presence of this variant in combination with 2 pathogenic variants curated by our study in individuals with Glycogen Storage Disease II slightly increases the likelihood that the p.Arg375Leu variant is pathogenic (PMID: 22081099, 24158270, 25103075, 25396301, 18429042). The phenotype of 3 individuals heterozygous for this variant is highly specific for Glycogen Storage Disease II based on GAA activity in muscle tissue <10% of normal, consistent with disease (PMID: 24158270, 22081099). In summary, although additional studies are required to fully establish its clinical significance, this variant is likely pathogenic. ACMG/AMP Criteria applied: PS3, PM3_Supporting, PM2, PP3, PP4 (Richards 2015).

Eurofins Ntd Llc (ga)
Classification: Pathogenic. Last evaluated: 2015-09-15. Review status: criteria provided, single submitter. Criteria: EGL Classification Definitions 2015. Collection method: clinical testing. Allele origin: germline. Observed: 1 variant allele, 1 heterozygote. Not counted in ClinVar's aggregate classification.

Natera, Inc.
Classification: Pathogenic for Glycogen storage disease type II. Last evaluated: 2020-09-23. Review status: no assertion criteria provided. Collection method: clinical testing. Allele origin: germline. Not counted in ClinVar's aggregate classification.

Counsyl
Classification: Likely pathogenic for Glycogen storage disease, type II. Last evaluated: 2016-09-13. Review status: no assertion criteria provided. Collection method: clinical testing. Allele origin: unknown. Not counted in ClinVar's aggregate classification.

Literature cited by the submitters: PubMed 39213226 (cited by Genomenon, Inc); PubMed 37701327 (cited by Genomenon, Inc); PubMed 34734785 (cited by Genomenon, Inc); PubMed 33807278 (cited by Genomenon, Inc); PubMed 31606152 (cited by Genomenon, Inc); PubMed 30778879 (cited by Genomenon, Inc); PubMed 29422078 (cited by Genomenon, Inc and Labcorp Genetics (formerly Invitae), Labcorp); PubMed 25396301 (cited by Genomenon, Inc and Broad Center for Mendelian Genomics, Broad Institute of MIT and Harvard); PubMed 28182897 (cited by Genomenon, Inc); PubMed 18429042 (cited by 4 submitters); PubMed 22990675 (cited by Labcorp Genetics (formerly Invitae), Labcorp); PubMed 24158270 (cited by 3 submitters); PubMed 21757382 (cited by Labcorp Genetics (formerly Invitae), Labcorp); PubMed 17213836 (cited by Women's Health and Genetics/Laboratory Corporation of America, LabCorp); PubMed 29880332 (cited by Women's Health and Genetics/Laboratory Corporation of America, LabCorp); PubMed 22081099 (cited by Broad Center for Mendelian Genomics, Broad Institute of MIT and Harvard); PubMed 25103075 (cited by Broad Center for Mendelian Genomics, Broad Institute of MIT and Harvard and Counsyl).

NM_000152.5(GAA):c.1124G>T (p.Arg375Leu)

Gene: GAA (alpha glucosidase; plus strand). Cytogenetic location: 17q25.3.
Variant type: single nucleotide variant.
Coding change: c.1124G>T on transcript NM_000152.5 (MANE Select); coding-DNA position 1124, G replaced by T.
Protein change: p.Arg375Leu; replaces arginine 375 with leucine.
Molecular consequence: missense variant.
Genome position (GRCh38, 1-based): chr17:80,108,537, G>T. VCF-style: chr17-80108537-G-T. GRCh37 (hg19) VCF-style: chr17-78082336-G-T.
Other names: c.1124G>T (LRG_673t1, NM_000152.4); c.1124G>T, p.Arg375Leu (NM_001079803.3, NM_001079804.3); short protein forms R375L.
Identifiers: ClinVar variation 283230 (VCV000283230.32), dbSNP rs142752477, ClinGen allele CA8815178.